The following is an entry in ClinVar:

ClinVar aggregate classification (germline): Likely benign (1 of 4 stars; one submission).

Conditions:
RP1L1-related disorder. Also called: RP1L1-related condition.

Submission:

PreventionGenetics, part of Exact Sciences
Classification: Likely benign for RP1L1-related condition. Last evaluated: 2025-09-21. Review status: criteria provided, single submitter. Criteria: ACMG Guidelines, 2015. Collection method: clinical testing. Allele origin: germline.
Comment: This variant is classified as likely benign based on ACMG/AMP sequence variant interpretation guidelines (Richards et al. 2015 PMID: 25741868, with internal and published modifications).

NM_178857.6(RP1L1):c.1500T>C (p.Gly500=)

Gene: RP1L1 (RP1 like 1). Cytogenetic location: 8p23.1.
Variant type: single nucleotide variant.
Coding change: c.1500T>C on transcript NM_178857.6 (MANE Select); coding-DNA position 1500, T replaced by C.
Protein change: p.Gly500=; no amino-acid change (glycine 500 retained).
Molecular consequence: synonymous variant.
Genome position (GRCh38, 1-based): chr8:10,612,598, A>G on the plus strand (T>C on the coding strand, the complement: RP1L1 is on the minus strand). VCF-style: chr8-10612598-A-G. GRCh37 (hg19) VCF-style: chr8-10470108-A-G.
Identifiers: ClinVar variation 4990441 (VCV004990441.1).